The following is an entry in ClinVar:

ClinVar aggregate classification (germline): Uncertain significance (1 of 4 stars; one submission).

Conditions:
Spastic paraplegia. Identifiers: MedGen C0037772, HP:0001258.

Allele frequency attached by ClinVar (database versions not stated): gnomAD 0.00001; gnomAD exomes 0.00001 and 0.00002; ExAC 0.00002; TOPMed 0.00002; ESP Exome Variant Server 0.00008.
gnomAD v4.1: 18 of 1,613,976 alleles (0.0011%); highest among the groups gnomAD compares: Middle Eastern, 0.016%; no homozygotes.

Submission:

Labcorp Genetics (formerly Invitae), Labcorp
Classification: Uncertain significance for Spastic paraplegia. Last evaluated: 2021-09-02. Review status: criteria provided, single submitter. Criteria: Invitae Variant Classification Sherloc (09022015). Collection method: clinical testing. Allele origin: germline.
Comment: This sequence change replaces serine with leucine at codon 293 of the ZFYVE26 protein (p.Ser293Leu). The serine residue is moderately conserved and there is a large physicochemical difference between serine and leucine. This variant is present in population databases (rs374866062, ExAC 0.009%). This variant has not been reported in the literature in individuals affected with ZFYVE26-related conditions. Algorithms developed to predict the effect of missense changes on protein structure and function output the following: SIFT: "Tolerated"; PolyPhen-2: "Benign"; Align-GVGD: "Class C0". The leucine amino acid residue is found in multiple mammalian species, which suggests that this missense change does not adversely affect protein function. In summary, the available evidence is currently insufficient to determine the role of this variant in disease. Therefore, it has been classified as a Variant of Uncertain Significance.

NM_015346.4(ZFYVE26):c.878C>T (p.Ser293Leu)

Gene: ZFYVE26 (zinc finger FYVE-type containing 26; minus strand). Cytogenetic location: 14q24.1.
Variant type: single nucleotide variant.
Coding change: c.878C>T on transcript NM_015346.4 (MANE Select); coding-DNA position 878, C replaced by T.
Protein change: p.Ser293Leu; replaces serine 293 with leucine.
Molecular consequence: missense variant.
Genome position (GRCh38, 1-based): chr14:67,807,406, G>A on the plus strand (C>T on the coding strand, the complement: ZFYVE26 is on the minus strand). VCF-style: chr14-67807406-G-A. GRCh37 (hg19) VCF-style: chr14-68274123-G-A.
Other names: short protein forms S293L.
Identifiers: ClinVar variation 664803 (VCV000664803.3), dbSNP rs374866062, ClinGen allele CA7240682.